The following is an entry in ClinVar:

NM_001256789.3(CACNA1F):c.4463G>C (p.Cys1488Ser)

Gene: CACNA1F (calcium voltage-gated channel subunit alpha1 F; minus strand). Cytogenetic location: Xp11.23.
Variant type: single nucleotide variant.
Coding change: c.4463G>C on transcript NM_001256789.3 (MANE Select); coding-DNA position 4463, G replaced by C.
Protein change: p.Cys1488Ser; replaces cysteine 1488 with serine.
Molecular consequence: missense variant.
Genome position (GRCh38, 1-based): chrX:49,210,612, C>G on the plus strand (G>C on the coding strand, the complement: CACNA1F is on the minus strand). VCF-style: chrX-49210612-C-G. GRCh37 (hg19) VCF-style: chrX-49067072-C-G.
Other names: c.4301G>C, p.Cys1434Ser (NM_001256790.3); c.4496G>C, p.Cys1499Ser (NM_005183.4); short protein forms C1434S, C1488S, C1499S.
Identifiers: ClinVar variation 1524193 (VCV001524193.6), dbSNP rs2147896120, ClinGen allele CA412960965.

ClinVar aggregate classification (germline): Uncertain significance (1 of 4 stars; one submission).

Submission:

Labcorp Genetics (formerly Invitae), Labcorp
Classification: Uncertain significance. Last evaluated: 2021-10-10. Review status: criteria provided, single submitter. Criteria: Invitae Variant Classification Sherloc (09022015). Collection method: clinical testing. Allele origin: germline.
Comment: This sequence change replaces cysteine with serine at codon 1499 of the CACNA1F protein (p.Cys1499Ser). The cysteine residue is highly conserved and there is a moderate physicochemical difference between cysteine and serine. This variant is not present in population databases (ExAC no frequency). This variant has not been reported in the literature in individuals affected with CACNA1F-related conditions. Algorithms developed to predict the effect of missense changes on protein structure and function are either unavailable or do not agree on the potential impact of this missense change (SIFT: "Deleterious"; PolyPhen-2: "Benign"; Align-GVGD: "Class C65"). In summary, the available evidence is currently insufficient to determine the role of this variant in disease. Therefore, it has been classified as a Variant of Uncertain Significance.